The following is an entry in ClinVar:

ClinVar aggregate classification (germline): Likely benign (1 of 4 stars; one submission).

Conditions:
MC4R-related disorder. Also called: MC4R-related condition.

gnomAD v4.1: 1 of 1,557,932 alleles (0.000064%); highest among the groups gnomAD compares: Admixed American, 0.0017%; no homozygotes.

Submission:

PreventionGenetics, part of Exact Sciences
Classification: Likely benign for MC4R-related condition. Last evaluated: 2026-05-11. Review status: criteria provided, single submitter. Criteria: ACMG Guidelines, 2015. Collection method: clinical testing. Allele origin: germline.
Comment: This variant is classified as likely benign based on ACMG/AMP sequence variant interpretation guidelines (Richards et al. 2015 PMID: 25741868, with internal and published modifications).

NM_005912.3(MC4R):c.-64G>T

Gene: MC4R (melanocortin 4 receptor; minus strand). Cytogenetic location: 18q21.32.
Variant type: single nucleotide variant.
Coding change: c.-64G>T on transcript NM_005912.3 (MANE Select); 64 bases upstream of the start codon, G replaced by T.
Molecular consequence: 5 prime UTR variant.
Genome position (GRCh38, 1-based): chr18:60,372,413, C>A on the plus strand (G>T on the coding strand, the complement: MC4R is on the minus strand). VCF-style: chr18-60372413-C-A. GRCh37 (hg19) VCF-style: chr18-58039646-C-A.
Identifiers: ClinVar variation 4992012 (VCV004992012.1).
Genomic context (GRCh38, chr18:60,372,413, plus strand): 5'-GGCAGGAGAATTCCAGTGTCCCCCTGAATTGATTTAACCTCCTGGGTCAGGGAGTCGTCT[C>A]AGTTATTTCCTCCAAGTCTTTATCTGTCTGAAAGTTGTGAGGCTAAAATTGCCATGCCTG-3'